The following is an entry in ClinVar:

NM_000202.8(IDS):c.1016T>G (p.Leu339Arg)

Genes: IDS (iduronate 2-sulfatase; minus strand), LOC106050102 (IDS recombination region; plus strand). Cytogenetic location: Xq28.
Variant type: single nucleotide variant.
Coding change: c.1016T>G on transcript NM_000202.8 (MANE Select); coding-DNA position 1016, T replaced by G.
Protein change: p.Leu339Arg; replaces leucine 339 with arginine.
Molecular consequence: missense variant.
Genome position (GRCh38, 1-based): chrX:149,487,089, A>C on the plus strand (T>G on the coding strand, the complement: IDS is on the minus strand). VCF-style: chrX-149487089-A-C. GRCh37 (hg19) VCF-style: chrX-148568620-A-C.
Other names: c.746T>G, p.Leu249Arg (NM_001166550.4); short protein forms L249R, L339R.
Identifiers: ClinVar variation 3255920 (VCV003255920.2).

ClinVar aggregate classification (germline): Pathogenic (1 of 4 stars; one submission).

Conditions:
Mucopolysaccharidosis, MPS-II (MPS2). Also called: Hunter Syndrome; IDURONATE 2-SULFATASE DEFICIENCY; Mucopolysaccharidosis Type II; Mucopolysaccharidosis type 2; Attenuated MPS (subtype; formerly known as mild MPS II); Severe MPS II. Identifiers: Orphanet 580, Orphanet 79388, MedGen C0026705, MONDO:0010674, OMIM 309900.

Submission:

Laboratory of Diagnosis and Therapy of Lysosomal Disorders, University of Padova
Classification: Pathogenic for Mucopolysaccharidosis, MPS-II. Last evaluated: 2024-06-07. Review status: criteria provided, single submitter. Criteria: ACMG Guidelines, 2015. Collection method: literature only. Allele origin: germline. Affected: yes. Observed: 1 variant allele.
Comment: In vitro or in vivo functional studies supportive of a damaging effect (PS3_Moderate), Absent from controls (or at low frequency) in gnomAD database (PM2_Moderate), Missense variant in a gene with a low rate of benign missense variation (PP2_Supporting), Multiple lines of computational evidence support a deleterious effect (PP3_Supporting), Patient’s phenotype or family history highly specific for the disease (PP4_Strong)

Classification method: ACMG Guidelines [PMID:25741868] with modifications

Literature cited by the submitters: PubMed 9660053.